The following is an entry in ClinVar:

ClinVar aggregate classification (germline): Likely pathogenic (1 of 4 stars; one submission).

Allele frequency attached by ClinVar (database versions not stated): gnomAD exomes below 0.00001; TOPMed 0.00001.
gnomAD v4.1: 3 of 1,211,565 alleles (0.00025%); highest among the groups gnomAD compares: African/African-American, 0.0017%; no homozygotes.

Submission:

GeneDx
Classification: Likely pathogenic. Last evaluated: 2024-09-28. Review status: criteria provided, single submitter. Criteria: GeneDx Variant Classification Process June 2021. Collection method: clinical testing. Allele origin: germline. Affected: yes.
Comment: Published functional studies demonstrate loss of protein function and expression (PMID: 36823308); Nonsense variant predicted to result in protein truncation, as the last 479 amino acid(s) are lost, and other loss-of-function variants have been reported downstream in HGMD; This variant is associated with the following publications: (PMID: 36823308)

NM_001421.4(ELF4):c.553C>T (p.Arg185Ter)

Gene: ELF4 (E74 like ETS transcription factor 4; minus strand). Cytogenetic location: Xq26.1.
Variant type: single nucleotide variant.
Coding change: c.553C>T on transcript NM_001421.4 (MANE Select); coding-DNA position 553, C replaced by T.
Protein change: p.Arg185Ter; replaces arginine 185 with a stop codon.
Molecular consequence: nonsense.
Genome position (GRCh38, 1-based): chrX:130,071,399, G>A on the plus strand (C>T on the coding strand, the complement: ELF4 is on the minus strand). VCF-style: chrX-130071399-G-A. GRCh37 (hg19) VCF-style: chrX-129205374-G-A.
Other names: c.553C>T, p.Arg185Ter (NM_001127197.2); short protein forms R185*.
Identifiers: ClinVar variation 2504297 (VCV002504297.2), dbSNP rs1569402390, ClinGen allele CA414576959.